The following is an entry in ClinVar:

NM_001351132.2(PEX5):c.317-19TC[4]

Gene: PEX5 (peroxisomal biogenesis factor 5; plus strand). Cytogenetic location: 12p13.31.
Variant type: Microsatellite.
Coding change: c.317-19TC[4] on transcript NM_001351132.2 (MANE Select); four copies in a row of the 2-base unit TC starting at c.317-19.
Molecular consequence: intron variant.
Genome position: GRCh38 VCF-style: chr12-7191549-TTCTC-T. GRCh37 (hg19) VCF-style: chr12-7344145-TTCTC-T.
Other names: c.317-19TC[4] (NM_001351124.3, NM_001131026.2, NM_001351131.2 and 19 more transcripts); c.362-19TC[4] (NM_001351135.3, NM_001131023.2, NM_001351138.2); c.317-10_317-7delCTCT (NM_001131025.1).
Identifiers: ClinVar variation 2118427 (VCV002118427.3), dbSNP rs745564890, ClinGen allele CA6426106.

ClinVar aggregate classification (germline): Likely benign. Review status: criteria provided, multiple submitters, no conflicts (2 of 4 stars). 2 submissions from 2 submitters: Likely benign (2). Last evaluated 2025-10-01.

Conditions:
Peroxisome biogenesis disorder 2B (PBD2B). Identifiers: Orphanet 44, MedGen C3550234, MONDO:0008736, OMIM 202370.
PEX5-related disorder. Also called: PEX5-Related Disorders; PEX5-related condition.

Submissions (2):

Labcorp Genetics (formerly Invitae), Labcorp
Classification: Likely benign for Peroxisome biogenesis disorder 2B. Last evaluated: 2025-10-01. Review status: criteria provided, single submitter. Criteria: Invitae Variant Classification Sherloc (09022015). Collection method: clinical testing. Allele origin: germline.

PreventionGenetics, part of Exact Sciences
Classification: Likely benign for PEX5-related condition. Last evaluated: 2025-06-11. Review status: criteria provided, single submitter. Criteria: ACMG Guidelines, 2015. Collection method: clinical testing. Allele origin: germline.
Comment: This variant is classified as likely benign based on ACMG/AMP sequence variant interpretation guidelines (Richards et al. 2015 PMID: 25741868, with internal and published modifications).